The following is an entry in ClinVar:

NM_004974.4(KCNA2):c.1228G>A (p.Val410Met)

Gene: KCNA2 (potassium voltage-gated channel subfamily A member 2; minus strand). Cytogenetic location: 1p13.3.
Variant type: single nucleotide variant.
Coding change: c.1228G>A on transcript NM_004974.4 (MANE Select); coding-DNA position 1228, G replaced by A.
Protein change: p.Val410Met; replaces valine 410 with methionine.
Molecular consequence: missense variant. On other transcripts: intron variant (1).
Genome position (GRCh38, 1-based): chr1:110,603,555, C>T on the plus strand (G>A on the coding strand, the complement: KCNA2 is on the minus strand). VCF-style: chr1-110603555-C-T. GRCh37 (hg19) VCF-style: chr1-111146177-C-T.
Other names: c.894+334G>A (NM_001204269.2); short protein forms V410M.
Identifiers: ClinVar variation 2748423 (VCV002748423.3), dbSNP rs2524616121, ClinGen allele CA341601237.

ClinVar aggregate classification (germline): Uncertain significance (1 of 4 stars; one submission).

Conditions:
Developmental and epileptic encephalopathy, 32 (DEE32). Also called: Epileptic encephalopathy, early infantile, 32. Identifiers: Orphanet 442835, MedGen C4225350, MONDO:0014607, OMIM 616366.

Submission:

Labcorp Genetics (formerly Invitae), Labcorp
Classification: Uncertain significance for Developmental and epileptic encephalopathy, 32. Last evaluated: 2023-07-30. Review status: criteria provided, single submitter. Criteria: Invitae Variant Classification Sherloc (09022015). Collection method: clinical testing. Allele origin: germline.
Comment: In summary, the available evidence is currently insufficient to determine the role of this variant in disease. Therefore, it has been classified as a Variant of Uncertain Significance. Advanced modeling of protein sequence and biophysical properties (such as structural, functional, and spatial information, amino acid conservation, physicochemical variation, residue mobility, and thermodynamic stability) performed at Invitae indicates that this missense variant is expected to disrupt KCNA2 protein function. This variant has not been reported in the literature in individuals affected with KCNA2-related conditions. This variant is not present in population databases (gnomAD no frequency). This sequence change replaces valine, which is neutral and non-polar, with methionine, which is neutral and non-polar, at codon 410 of the KCNA2 protein (p.Val410Met).